The following is an entry in ClinVar:

ClinVar aggregate classification (germline): Conflicting classifications of pathogenicity. Review status: criteria provided, conflicting classifications (1 of 4 stars). 10 submissions from 9 submitters: Uncertain significance (3); Likely benign (7). Last evaluated 2026-08-19.

Conditions:
Hereditary cancer-predisposing syndrome. Also called: Tumor predisposition; Neoplastic Syndromes, Hereditary; Hereditary Cancer Syndrome; Hereditary neoplastic syndrome. Identifiers: Orphanet 140162, MedGen C0027672, MeSH D009386, MONDO:0015356.
Cardiovascular phenotype. Identifiers: MedGen CN230736.
NF1-related disorder. Also called: NF1-related condition. Identifiers: MedGen CN379171.
Neurofibromatosis, type 1 (NF1). Also called: Peripheral type neurofibromatosis; Neurofibromatosis, type I; NEUROFIBROMATOSIS, TYPE I, SOMATIC; VON RECKLINGHAUSEN DISEASE. Identifiers: Orphanet 636, MedGen C0027831, MONDO:0018975, OMIM 162200. Disease mechanism: loss of function.

Allele frequency attached by ClinVar (database versions not stated): gnomAD 0.00003 and 0.00004; TOPMed 0.00004; gnomAD exomes 0.00006; ExAC 0.00008.
gnomAD v4.1: 113 of 1,613,902 alleles (0.007%); highest among the groups gnomAD compares: African/African-American, 0.008%; no homozygotes.

Submissions (10):

PreventionGenetics, part of Exact Sciences
Classification: Likely benign for NF1-related condition. Last evaluated: 2026-08-19. Review status: criteria provided, single submitter. Criteria: ACMG Guidelines, 2015. Collection method: clinical testing. Allele origin: germline.
Comment: This variant is classified as likely benign based on ACMG/AMP sequence variant interpretation guidelines (Richards et al. 2015 PMID: 25741868, with internal and published modifications).

Labcorp Genetics (formerly Invitae), Labcorp
Classification: Likely benign for Neurofibromatosis, type 1. Last evaluated: 2026-01-26. Review status: criteria provided, single submitter. Criteria: Invitae Variant Classification Sherloc (09022015). Collection method: clinical testing. Allele origin: germline.

Blueprint Genetics
Classification: Likely benign. Last evaluated: 2024-06-26. Review status: criteria provided, single submitter. Criteria: ACMG Guidelines, 2015. Collection method: clinical testing. Allele origin: germline.

CeGaT Center for Human Genetics Tuebingen
Classification: Uncertain significance. Last evaluated: 2024-05-01. Review status: criteria provided, single submitter. Criteria: CeGaT Center For Human Genetics Tuebingen Variant Classification Criteria Version 2. Collection method: clinical testing. Allele origin: germline. Affected: yes. Observed: 1 variant allele.
Comment: NF1: PP2, BP4

Women's Health and Genetics/Laboratory Corporation of America, LabCorp
Classification: Likely benign. Last evaluated: 2024-01-11. Review status: criteria provided, single submitter. Criteria: LabCorp Variant Classification Summary - May 2015. Collection method: clinical testing. Allele origin: germline.
Comment: Variant summary: NF1 c.6601A>G (p.Thr2201Ala) results in a non-conservative amino acid change in the encoded protein sequence. Three of five in-silico tools predict a benign effect of the variant on protein function. The variant allele was found at a frequency of 7.3e-05 in 1704946 control chromosomes, predominantly at a frequency of 0.00019 within the Finnish subpopulation in the gnomAD v4 database. This frequency is close to the expected for a pathogenic variant in NF1 Neurofibromatosis Type 1 (0.00019 vs 0.00021), suggesting this variant is possibly a benign polymorphism primarily found in the Finnish subpopulation. To our knowledge, no occurrence of c.6601A>G in individuals affected with Neurofibromatosis Type 1 and no experimental evidence demonstrating its impact on protein function have been reported. ClinVar contains an entry for this variant (Variation ID: 185829). Based on the evidence outlined above, the variant was classified as likely benign.

Sema4
Classification: Likely benign for Hereditary cancer-predisposing syndrome. Last evaluated: 2021-07-24. Review status: criteria provided, single submitter. Criteria: Sema4 Curation Guidelines. Collection method: curation. Allele origin: germline.

Ambry Genetics
Classification: Likely benign for Cardiovascular phenotype; Hereditary cancer-predisposing syndrome. Last evaluated: 2021-04-09. Review status: criteria provided, single submitter. Criteria: Ambry Variant Classification Scheme 2023. Collection method: clinical testing. Allele origin: germline.

GeneDx
Classification: Likely benign. Last evaluated: 2020-12-18. Review status: criteria provided, single submitter. Criteria: GeneDx Variant Classification Process June 2021. Collection method: clinical testing. Allele origin: germline. Affected: yes.
Comment: In silico analysis supports that this missense variant does not alter protein structure/function; Has not been previously published as pathogenic or benign to our knowledge; This variant is associated with the following publications: (PMID: 25925381)

ARUP Laboratories, Molecular Genetics and Genomics, ARUP Laboratories
Classification: Uncertain significance. Last evaluated: 2019-02-16. Review status: criteria provided, single submitter. Criteria: ARUP Molecular Germline Variant Investigation Process. Collection method: clinical testing. Allele origin: germline.
Comment: The NF1 c.6664A>G; p.Thr2222Ala variant (rs745945481), to our knowledge, is not described in the medical literature as a germline variant but is reported as a variant of uncertain significance by multiple laboratories in ClinVar (Variation ID: 185829). It is observed in the general population at a low overall frequency of 0.0057% (16/282734 alleles) in the Genome Aggregation Database. The threonine at codon 2222 is moderately conserved, and computational algorithms (PolyPhen-2, SIFT) predict that this variant is tolerated. However, due to the lack of clinical and functional data regarding this variant, its clinical significance cannot be determined with certainty.

Ambry Genetics
Classification: Uncertain significance for Hereditary cancer-predisposing syndrome. Last evaluated: 2016-02-19. Review status: criteria provided, single submitter. Criteria: Ambry Autosomal Dominant and X-Linked criteria (10/2015). Collection method: clinical testing. Allele origin: germline. Observed: 1 variant allele.
Comment: Ã¢â‚¬â€¹<span style="background-color:initial">Thep.T2222A<span style="background-color:initial"> variant (also known as c.6664A>G), located in coding exon 44 of theNF1<span style="background-color:initial"> gene, results from an A to G substitution at nucleotide position 6664. The threonine at codon 2222 is replaced by alanine, an amino acid with similar properties. This variant was not reported in population based cohorts in the following databases: Database of Single Nucleotide Polymorphisms (dbSNP), NHLBI Exome Sequencing Project (ESP), and 1000 Genomes Project. In the ESP, this variant was not observed in 6502 samples (13004 alleles) with coverage at this position. To date, this alteration has been detected with an allele frequency of approximately 0.003% (greater than 110000 alleles tested) in our clinical cohort. This amino acid position is not well conserved in available vertebrate species. In addition, this alteration is predicted to be benign and tolerated by PolyPhen and SIFTin silico<span style="background-color:initial"> analyses, respectively. Since supporting evidence is limited at this time, the clinical significance of p.T2222A remains unclear.

Literature cited by the submitters: PubMed 10678181 (cited by Women's Health and Genetics/Laboratory Corporation of America, LabCorp); PubMed 23460398 (cited by Women's Health and Genetics/Laboratory Corporation of America, LabCorp); PubMed 29872168 (cited by Women's Health and Genetics/Laboratory Corporation of America, LabCorp); PubMed 33471991 (cited by Women's Health and Genetics/Laboratory Corporation of America, LabCorp); PubMed 36243179 (cited by Women's Health and Genetics/Laboratory Corporation of America, LabCorp); PubMed 27069254 (cited by Women's Health and Genetics/Laboratory Corporation of America, LabCorp).

NM_001042492.3(NF1):c.6664A>G (p.Thr2222Ala)

Gene: NF1 (neurofibromin 1; plus strand). Cytogenetic location: 17q11.2.
Variant type: single nucleotide variant.
Coding change: c.6664A>G on transcript NM_001042492.3 (MANE Select); coding-DNA position 6664, A replaced by G.
Protein change: p.Thr2222Ala; replaces threonine 2222 with alanine.
Molecular consequence: missense variant.
Genome position (GRCh38, 1-based): chr17:31,337,840, A>G. VCF-style: chr17-31337840-A-G. GRCh37 (hg19) VCF-style: chr17-29664858-A-G.
Other names: c.6601A>G, p.Thr2201Ala (NM_000267.4); short protein forms T2201A, T2222A.
Identifiers: ClinVar variation 185829 (VCV000185829.44), dbSNP rs745945481, ClinGen allele CA193084.